The following is an entry in ClinVar:

ClinVar aggregate classification (germline): Likely pathogenic (1 of 4 stars; one submission).

Conditions:
Bruck syndrome 2 (BRKS2). Also called: OSTEOGENESIS IMPERFECTA WITH CONGENITAL JOINT CONTRACTURES. Identifiers: Orphanet 2771, MedGen C1836602, MONDO:0012217, OMIM 609220.

Submission:

Laboratorio de Genetica e Diagnostico Molecular, Hospital Israelita Albert Einstein
Classification: Likely pathogenic for Bruck syndrome 2. Last evaluated: 2025-10-27. Review status: criteria provided, single submitter. Criteria: ACMG Guidelines, 2015. Collection method: clinical testing. Allele origin: germline. Affected: yes.
Comment: ACMG classification criteria: PVS1 very strong, PM2 supporting

NM_182943.3(PLOD2):c.1682G>A (p.Trp561Ter)

Gene: PLOD2 (procollagen-lysine,2-oxoglutarate 5-dioxygenase 2; minus strand). Cytogenetic location: 3q24.
Variant type: single nucleotide variant.
Coding change: c.1682G>A on transcript NM_182943.3 (MANE Select); coding-DNA position 1682, G replaced by A.
Protein change: p.Trp561Ter; replaces tryptophan 561 with a stop codon.
Molecular consequence: nonsense.
Genome position (GRCh38, 1-based): chr3:146,073,348, C>T on the plus strand (G>A on the coding strand, the complement: PLOD2 is on the minus strand). VCF-style: chr3-146073348-C-T. GRCh37 (hg19) VCF-style: chr3-145791135-C-T.
Other names: c.1619G>A, p.Trp540Ter (NM_000935.3); short protein forms W540*, W561*.
Identifiers: ClinVar variation 4846892 (VCV004846892.1).
Genomic context (GRCh38, chr3:146,073,348, plus strand): 5'-TGTTCAACTATATTTTCAGTGAAAATCTTTGAATAATCACGGTTTATATACTTTTCCTTC[C>T]AGTCCTATAAAAAGAAGTACATATTAAAACAAATATCTTTATAAATACTTCACTGAAAAG-3'